The following is an entry in ClinVar:

ClinVar aggregate classification (germline): Pathogenic/Likely pathogenic. Review status: criteria provided, multiple submitters, no conflicts (2 of 4 stars). 8 submissions from 8 submitters: Pathogenic (2); Likely pathogenic (4). 2 of the submissions do not count toward it. Last evaluated 2022-10-16.

Conditions:
MYT1L-related disorder. Also called: MYT1L-related condition.
Intellectual developmental disorder, autosomal dominant 39. Also called: Intellectual disability, autosomal dominant 39; Mental retardation, autosomal dominant 39. Identifiers: MedGen C4225296, MONDO:0014678, OMIM 616521.
Intellectual disability. Also called: Intellectual functioning disability; intellectual disabilities; Intellectual developmental disorder. Identifiers: MedGen C3714756, MeSH D008607, MONDO:0001071, HP:0001249.

Submissions (8):

GeneDx
Classification: Pathogenic. Last evaluated: 2022-10-16. Review status: criteria provided, single submitter. Criteria: GeneDx Variant Classification Process June 2021. Collection method: clinical testing. Allele origin: germline. Affected: yes.
Comment: Not observed at significant frequency in large population cohorts (gnomAD); In silico analysis supports that this missense variant has a deleterious effect on protein structure/function; This variant is associated with the following publications: (PMID: 28859103, 28135719, 33004838, 32579932, 34748075)

Blueprint Genetics
Classification: Pathogenic for MYT1L-related disorders. Last evaluated: 2022-10-04. Review status: criteria provided, single submitter. Criteria: ACMG Guidelines, 2015. Collection method: clinical testing. Allele origin: germline. Affected: yes. Observed: 1 variant allele.

Diagnostic Laboratory, Strasbourg University Hospital
Classification: Likely pathogenic for Intellectual disability. Last evaluated: 2020-04-20. Review status: criteria provided, single submitter. Criteria: ACMG Guidelines, 2015. Collection method: clinical testing. Allele origin: de novo. Inheritance: Autosomal dominant inheritance. Affected: yes. Observed: 1 heterozygote.

Baylor Genetics
Classification: Likely pathogenic for Intellectual developmental disorder, autosomal dominant 39. Last evaluated: 2018-02-26. Review status: criteria provided, single submitter. Criteria: ACMG Guidelines, 2015. Collection method: clinical testing. Allele origin: de novo. Affected: yes.
Comment: This variant was determined to be likely pathogenic according to ACMG Guidelines, 2015 [PMID:25741868]. This variant has been previously reported as de novo in a patient with intellectual disability, plagiocephaly, 5th finger clinodactyly, an ataxic gait, hyperphagia, and cerebral atrophy [PMID 28859103, reported as p.Arg569Gln]

Center for Pediatric Genomic Medicine, Children's Mercy Hospital and Clinics
Classification: Likely pathogenic. Last evaluated: 2016-01-22. Review status: criteria provided, single submitter. Criteria: ACMG Guidelines, 2015. Collection method: clinical testing. Allele origin: de novo.

Neuberg Centre For Genomic Medicine, NCGM
Classification: Likely pathogenic for Intellectual developmental disorder, autosomal dominant 39. Review status: criteria provided, single submitter. Criteria: ACMG Guidelines, 2015. Collection method: clinical testing. Allele origin: germline. Affected: yes.
Comment: The missense variant p.R567Q in MYT1L (NM_015025.4) has been previously reported as a de novo variant in an affected child (Blanchet P et al). The variant has been submitted to ClinVar as Likely Pathogenic. The p.R567Q variant is novel (not in any individuals) in gnomAD Exomes and is novel (not in any individuals) in 1000 Genomes. The p.R567Q missense variant is predicted to be damaging by both SIFT and PolyPhen2. The arginine residue at codon 567 of MYT1L is conserved in all mammalian species. The nucleotide c.1700 in MYT1L is predicted conserved by GERP++ and PhyloP across 100 vertebrates. For these reasons, this variant has been classified as Likely Pathogenic.

OMIM
Classification: Pathogenic for INTELLECTUAL DEVELOPMENTAL DISORDER, AUTOSOMAL DOMINANT 39. Last evaluated: 2024-07-19. Review status: no assertion criteria provided. Collection method: literature only. Allele origin: germline. Not counted in ClinVar's aggregate classification.

Pediatric Genetics Clinic, Sheba Medical Center
Classification: Pathogenic for Intellectual developmental disorder, autosomal dominant 39. Last evaluated: 2021-05-13. Review status: no assertion criteria provided. Collection method: clinical testing. Allele origin: de novo. Affected: yes. Observed: 1 heterozygote. Not counted in ClinVar's aggregate classification.

Literature cited by the submitters: PubMed 28859103 (cited by Baylor Genetics and OMIM).

NM_001303052.2(MYT1L):c.1706G>A (p.Arg569Gln)

Gene: MYT1L (myelin transcription factor 1 like; minus strand). Cytogenetic location: 2p25.3.
Variant type: single nucleotide variant.
Coding change: c.1706G>A on transcript NM_001303052.2 (MANE Select); coding-DNA position 1706, G replaced by A.
Protein change: p.Arg569Gln; replaces arginine 569 with glutamine.
Molecular consequence: missense variant.
Genome position (GRCh38, 1-based): chr2:1,912,023, C>T on the plus strand (G>A on the coding strand, the complement: MYT1L is on the minus strand). VCF-style: chr2-1912023-C-T. GRCh37 (hg19) VCF-style: chr2-1915795-C-T.
Other names: c.1706G>A, p.Arg569Gln (NM_001329844.2, NM_001329845.1, NM_001329851.3); c.1700G>A, p.Arg567Gln (NM_001329846.3, NM_001329847.2, NM_001329848.1 and 3 more transcripts); c.[1700G>A] (NM_015025.3); short protein forms R567Q, R569Q.
Identifiers: ClinVar variation 235469 (VCV000235469.14), dbSNP rs878853045, ClinGen allele CA10581322.